The following is an entry in ClinVar:

ClinVar aggregate classification (germline): Uncertain significance (1 of 4 stars; one submission).

Conditions:
Long QT syndrome (LQTS). Identifiers: MedGen C0023976, MeSH D008133, MONDO:0002442. Disease mechanism: loss of function. Inheritance: Various modes of inheritance.

gnomAD v4.1: 1 of 1,558,372 alleles (0.000064%); highest among the groups gnomAD compares: Non-Finnish European, 0.000087%; no homozygotes.

Submission:

Labcorp Genetics (formerly Invitae), Labcorp
Classification: Uncertain significance for Long QT syndrome. Last evaluated: 2024-05-13. Review status: criteria provided, single submitter. Criteria: Invitae Variant Classification Sherloc (09022015). Collection method: clinical testing. Allele origin: germline.
Comment: This sequence change replaces lysine, which is basic and polar, with glutamine, which is neutral and polar, at codon 820 of the CACNA1C protein (p.Lys820Gln). This variant is not present in population databases (gnomAD no frequency). This variant has not been reported in the literature in individuals affected with CACNA1C-related conditions. An algorithm developed to predict the effect of missense changes on protein structure and function (PolyPhen-2) suggests that this variant is likely to be tolerated. In summary, the available evidence is currently insufficient to determine the role of this variant in disease. Therefore, it has been classified as a Variant of Uncertain Significance.

NM_000719.7(CACNA1C):c.2458A>C (p.Lys820Gln)

Gene: CACNA1C (calcium voltage-gated channel subunit alpha1 C; plus strand). Cytogenetic location: 12p13.33.
Variant type: single nucleotide variant.
Coding change: c.2458A>C on transcript NM_000719.7 (MANE Select); coding-DNA position 2458, A replaced by C.
Protein change: p.Lys820Gln; replaces lysine 820 with glutamine.
Molecular consequence: missense variant.
Genome position (GRCh38, 1-based): chr12:2,585,494, A>C. VCF-style: chr12-2585494-A-C. GRCh37 (hg19) VCF-style: chr12-2694660-A-C.
Other names: c.2458A>C, p.Lys820Gln (NM_001129827.2, NM_001129829.2, NM_001129830.3 and 18 more transcripts); c.2449A>C, p.Lys817Gln (NM_001129844.2); short protein forms K817Q, K820Q.
Identifiers: ClinVar variation 3695693 (VCV003695693.2).